The following is an entry in ClinVar:

NM_012151.4(F8A1):c.984T>C (p.Ala328=)

Genes: F8 (coagulation factor VIII; minus strand), F8A1 (coagulation factor VIII associated 1; plus strand), LOC106146150 (int22h-1 recombination region; plus strand). Cytogenetic location: Xq28.
Variant type: single nucleotide variant.
Coding change: c.984T>C on transcript NM_012151.4 (MANE Select); coding-DNA position 984, T replaced by C.
Protein change: p.Ala328=; no amino-acid change (alanine 328 retained).
Molecular consequence: synonymous variant. On other transcripts: intron variant (1).
Genome position (GRCh38, 1-based): chrX:154,887,358, T>C. VCF-style: chrX-154887358-T-C. GRCh37 (hg19) VCF-style: chrX-154115633-T-C.
Other names: c.6429+8719A>G (NM_000132.4).
Identifiers: ClinVar variation 4873296 (VCV004873296.2).

ClinVar aggregate classification (germline): Likely benign (1 of 4 stars; one submission).

Submission:

CeGaT Center for Human Genetics Tuebingen
Classification: Likely benign. Last evaluated: 2026-04-01. Review status: criteria provided, single submitter. Criteria: CeGaT Center For Human Genetics Tuebingen Variant Classification Criteria Version 2. Collection method: clinical testing. Allele origin: germline. Affected: yes. Observed: 1 variant allele.
Comment: F8A1: BP4, BP7